The following is an entry in ClinVar:

ClinVar aggregate classification (germline): Uncertain significance (1 of 4 stars; one submission).

Submission:

GeneDx
Classification: Uncertain significance. Last evaluated: 2023-03-21. Review status: criteria provided, single submitter. Criteria: GeneDx Variant Classification Process June 2021. Collection method: clinical testing. Allele origin: germline. Affected: yes.
Comment: Not observed at significant frequency in large population cohorts (gnomAD); In silico analysis supports that this missense variant has a deleterious effect on protein structure/function; Has not been previously published as pathogenic or benign to our knowledge

NM_001161352.2(KCNMA1):c.1751T>C (p.Ile584Thr)

Gene: KCNMA1 (potassium calcium-activated channel subfamily M alpha 1; minus strand). Cytogenetic location: 10q22.3.
Variant type: single nucleotide variant.
Coding change: c.1751T>C on transcript NM_001161352.2 (MANE Select); coding-DNA position 1751, T replaced by C.
Protein change: p.Ile584Thr; replaces isoleucine 584 with threonine.
Molecular consequence: missense variant.
Genome position (GRCh38, 1-based): chr10:77,039,636, A>G on the plus strand (T>C on the coding strand, the complement: KCNMA1 is on the minus strand). VCF-style: chr10-77039636-A-G. GRCh37 (hg19) VCF-style: chr10-78799394-A-G.
Other names: c.1751T>C, p.Ile584Thr (NM_001014797.3, NM_001161353.2, NM_001271519.2 and 8 more transcripts); c.1589T>C, p.Ile530Thr (NM_001271518.2); c.1211T>C, p.Ile404Thr (NM_001322838.2); short protein forms I404T, I530T, I584T.
Identifiers: ClinVar variation 2580791 (VCV002580791.1), dbSNP rs2551714580, ClinGen allele CA377410238.